The following is an entry in ClinVar:

ClinVar aggregate classification (germline): Uncertain significance. Review status: criteria provided, multiple submitters, no conflicts (2 of 4 stars). 3 submissions from 3 submitters: Uncertain significance (3). Last evaluated 2025-10-30.

Conditions:
Inborn genetic diseases. Identifiers: MedGen C0950123, MeSH D030342.
Combined immunodeficiency due to LRBA deficiency. Also called: Common variable immunodeficiency 8, with autoimmunity. Identifiers: Orphanet 445018, MedGen C3553512, MONDO:0013863, OMIM 614700.

Allele frequency attached by ClinVar (database versions not stated): gnomAD exomes below 0.00001.
gnomAD v4.1: 4 of 1,591,210 alleles (0.00025%); highest among the groups gnomAD compares: Non-Finnish European, 0.00034%; no homozygotes.

Submissions (3):

Ambry Genetics
Classification: Uncertain significance for Inborn genetic diseases. Last evaluated: 2025-10-30. Review status: criteria provided, single submitter. Criteria: Ambry Variant Classification Scheme 2023. Collection method: clinical testing. Allele origin: germline.

Labcorp Genetics (formerly Invitae), Labcorp
Classification: Uncertain significance for Combined immunodeficiency due to LRBA deficiency. Last evaluated: 2022-07-11. Review status: criteria provided, single submitter. Criteria: Invitae Variant Classification Sherloc (09022015). Collection method: clinical testing. Allele origin: germline.
Comment: This sequence change replaces arginine, which is basic and polar, with glycine, which is neutral and non-polar, at codon 2267 of the LRBA protein (p.Arg2267Gly). This variant is not present in population databases (gnomAD no frequency). This variant has not been reported in the literature in individuals affected with LRBA-related conditions. ClinVar contains an entry for this variant (Variation ID: 624047). Algorithms developed to predict the effect of missense changes on protein structure and function are either unavailable or do not agree on the potential impact of this missense change (SIFT: "Deleterious"; PolyPhen-2: "Probably Damaging"; Align-GVGD: "Class C0"). In summary, the available evidence is currently insufficient to determine the role of this variant in disease. Therefore, it has been classified as a Variant of Uncertain Significance.

CeGaT Center for Human Genetics Tuebingen
Classification: Uncertain significance. Last evaluated: 2018-04-01. Review status: criteria provided, single submitter. Criteria: CeGaT Center For Human Genetics Tuebingen Variant Classification Criteria Version 2. Collection method: clinical testing. Allele origin: germline. Affected: yes. Observed: 1 variant allele.

NM_001364905.1(LRBA):c.6766A>G (p.Arg2256Gly)

Gene: LRBA (LPS responsive beige-like anchor protein; minus strand). Cytogenetic location: 4q31.3.
Variant type: single nucleotide variant.
Coding change: c.6766A>G on transcript NM_001364905.1 (MANE Select); coding-DNA position 6766, A replaced by G.
Protein change: p.Arg2256Gly; replaces arginine 2256 with glycine.
Molecular consequence: missense variant.
Genome position (GRCh38, 1-based): chr4:150,467,687, T>C on the plus strand (A>G on the coding strand, the complement: LRBA is on the minus strand). VCF-style: chr4-150467687-T-C. GRCh37 (hg19) VCF-style: chr4-151388839-T-C.
Other names: c.6766A>G, p.Arg2256Gly (NM_001199282.3, NM_001367550.1); c.6799A>G, p.Arg2267Gly (NM_006726.5); short protein forms R2256G, R2267G.
Identifiers: ClinVar variation 624047 (VCV000624047.47), dbSNP rs1561218846, ClinGen allele CA358605398.